The following is an entry in ClinVar:

ClinVar aggregate classification (germline): Uncertain significance (1 of 4 stars; one submission).

Allele frequency attached by ClinVar (database versions not stated): gnomAD exomes below 0.00001; TOPMed below 0.00001.

Submission:

Labcorp Genetics (formerly Invitae), Labcorp
Classification: Uncertain significance. Last evaluated: 2022-01-13. Review status: criteria provided, single submitter. Criteria: Invitae Variant Classification Sherloc (09022015). Collection method: clinical testing. Allele origin: germline.
Comment: ClinVar contains an entry for this variant (Variation ID: 1001055). This variant has not been reported in the literature in individuals affected with ADGRA3-related conditions. This variant is present in population databases (no rsID available, gnomAD 0.0009%). This sequence change replaces lysine, which is basic and polar, with threonine, which is neutral and polar, at codon 358 of the ADGRA3 protein (p.Lys358Thr). In summary, the available evidence is currently insufficient to determine the role of this variant in disease. Therefore, it has been classified as a Variant of Uncertain Significance. Algorithms developed to predict the effect of missense changes on protein structure and function are either unavailable or do not agree on the potential impact of this missense change (SIFT: "Deleterious"; PolyPhen-2: "Possibly Damaging"; Align-GVGD: "Class C0").

NM_145290.4(ADGRA3):c.1073A>C (p.Lys358Thr)

Gene: ADGRA3 (adhesion G protein-coupled receptor A3; minus strand). Cytogenetic location: 4p15.2.
Variant type: single nucleotide variant.
Coding change: c.1073A>C on transcript NM_145290.4 (MANE Select); coding-DNA position 1073, A replaced by C.
Protein change: p.Lys358Thr; replaces lysine 358 with threonine.
Molecular consequence: missense variant.
Genome position (GRCh38, 1-based): chr4:22,438,268, T>G on the plus strand (A>C on the coding strand, the complement: ADGRA3 is on the minus strand). VCF-style: chr4-22438268-T-G. GRCh37 (hg19) VCF-style: chr4-22439891-T-G.
Other names: short protein forms K358T.
Identifiers: ClinVar variation 1001055 (VCV001001055.10), dbSNP rs1307282344, ClinGen allele CA356482510.